The following is an entry in ClinVar:

ClinVar aggregate classification (germline): Uncertain significance (1 of 4 stars; one submission).

gnomAD v4.1: 2 of 1,614,198 alleles (0.00012%); highest among the groups gnomAD compares: Non-Finnish European, 0.00017%; no homozygotes.

Submission:

Ambry Genetics
Classification: Uncertain significance. Last evaluated: 2026-02-17. Review status: criteria provided, single submitter. Criteria: Ambry Variant Classification Scheme 2023. Collection method: clinical testing. Allele origin: germline.
Comment: The p.S311F variant (also known as c.932C>T), located in coding exon 1 of the CDK12 gene, results from a C to T substitution at nucleotide position 932. The serine at codon 311 is replaced by phenylalanine, an amino acid with highly dissimilar properties. This amino acid position is conserved. In addition, this alteration is predicted to be tolerated by in silico analysis. Based on the available evidence, the clinical significance of this variant remains unclear.

NM_016507.4(CDK12):c.932C>T (p.Ser311Phe)

Genes: CDK12 (cyclin dependent kinase 12; plus strand), LOC126862553 (CDK7 strongly-dependent group 2 enhancer GRCh37_chr17:37618166-37619365; plus strand). Cytogenetic location: 17q12.
Variant type: single nucleotide variant.
Coding change: c.932C>T on transcript NM_016507.4 (MANE Select); coding-DNA position 932, C replaced by T.
Protein change: p.Ser311Phe; replaces serine 311 with phenylalanine.
Molecular consequence: missense variant.
Genome position (GRCh38, 1-based): chr17:39,463,003, C>T. VCF-style: chr17-39463003-C-T. GRCh37 (hg19) VCF-style: chr17-37619256-C-T.
Other names: c.932C>T, p.Ser311Phe (NM_015083.4); short protein forms S311F.
Identifiers: ClinVar variation 4844508 (VCV004844508.1).
Genomic context (GRCh38, chr17:39,463,003, plus strand): 5'-CACCGAGCCCCTACAGTAGGCGACAGAGATCTGTCAGTCCCTATAGCAGGAGACGGTCGT[C>T]CAGCTACGAAAGAAGTGGCTCTTACAGCGGGCGATCGCCCAGTCCCTATGGTCGAAGGCG-3'
Protein context (NP_057591.2, residues 301-321): SVSPYSRRRS[Ser311Phe]SYERSGSYSG